The following is an entry in ClinVar:

NM_002161.6(IARS1):c.3136G>A (p.Val1046Ile)

Gene: IARS1 (isoleucyl-tRNA synthetase 1; minus strand). Cytogenetic location: 9q22.31.
Variant type: single nucleotide variant.
Coding change: c.3136G>A on transcript NM_002161.6 (MANE Select); coding-DNA position 3136, G replaced by A.
Protein change: p.Val1046Ile; replaces valine 1046 with isoleucine.
Molecular consequence: missense variant. On other transcripts: non-coding transcript variant (1).
Genome position (GRCh38, 1-based): chr9:92,242,195, C>T on the plus strand (G>A on the coding strand, the complement: IARS1 is on the minus strand). VCF-style: chr9-92242195-C-T. GRCh37 (hg19) VCF-style: chr9-95004477-C-T.
Other names: c.3061G>A, p.Val1021Ile (NM_001374299.1, NM_001374300.1, NM_001378584.1); c.3052G>A, p.Val1018Ile (NM_001374301.1); c.3199G>A, p.Val1067Ile (NM_001378569.1); c.3157G>A, p.Val1053Ile (NM_001378571.1); c.3136G>A, p.Val1046Ile (NM_001378572.1, NM_001378573.1, NM_001378574.1 and 9 more transcripts); c.3136G>A (NM_013417.2); c.3040G>A, p.Val1014Ile (NM_001378582.1); c.3013G>A, p.Val1005Ile (NM_001378583.1); short protein forms V1046I, V1005I, V1014I, V1018I, V1021I, V1053I, V1067I.
Identifiers: ClinVar variation 445904 (VCV000445904.54), dbSNP rs34737051, ClinGen allele CA5121979.

ClinVar aggregate classification (germline): Benign/Likely benign. Review status: criteria provided, multiple submitters, no conflicts (2 of 4 stars). 5 submissions from 5 submitters: Benign (1); Likely benign (3). 1 of the submissions does not count toward it. Last evaluated 2026-09-01.

Conditions:
IARS1-related disorder. Also called: IARS1-related condition.

Allele frequency attached by ClinVar (database versions not stated): 1000 Genomes Project 0.00160; 1000 Genomes Project 30x 0.00203; ESP Exome Variant Server 0.00423; TOPMed 0.00435; gnomAD exomes 0.00468 and 0.00687; gnomAD 0.00491; ExAC 0.00503.
gnomAD v4.1: 10,651 of 1,614,020 alleles (0.66%); highest among the groups gnomAD compares: Non-Finnish European, 0.82%; 45 homozygotes.

Submissions (5):

CeGaT Center for Human Genetics Tuebingen
Classification: Likely benign. Last evaluated: 2026-09-01. Review status: criteria provided, single submitter. Criteria: CeGaT Center For Human Genetics Tuebingen Variant Classification Criteria Version 2. Collection method: clinical testing. Allele origin: germline. Affected: yes. Observed: 27 variant alleles.
Comment: IARS1: BP4, BS2

Labcorp Genetics (formerly Invitae), Labcorp
Classification: Benign. Last evaluated: 2026-01-21. Review status: criteria provided, single submitter. Criteria: Invitae Variant Classification Sherloc (09022015). Collection method: clinical testing. Allele origin: germline.

Ambry Genetics
Classification: Likely benign. Last evaluated: 2024-03-14. Review status: criteria provided, single submitter. Criteria: Ambry Variant Classification Scheme 2023. Collection method: clinical testing. Allele origin: germline.

Center for Pediatric Genomic Medicine, Children's Mercy Hospital and Clinics
Classification: Likely benign. Last evaluated: 2017-03-06. Review status: criteria provided, single submitter. Criteria: ACMG Guidelines, 2015. Collection method: clinical testing. Allele origin: germline.

PreventionGenetics, part of Exact Sciences
Classification: Benign for IARS1-related condition. Last evaluated: 2019-06-24. Review status: no assertion criteria provided. Collection method: clinical testing. Allele origin: germline. Not counted in ClinVar's aggregate classification.
Comment: This variant is classified as benign based on ACMG/AMP sequence variant interpretation guidelines (Richards et al. 2015 PMID: 25741868, with internal and published modifications).